The following is an entry in ClinVar:

NM_018979.4(WNK1):c.4463C>T (p.Thr1488Ile)

Gene: WNK1 (WNK lysine deficient protein kinase 1; plus strand). Cytogenetic location: 12p13.33.
Variant type: single nucleotide variant.
Coding change: c.4463C>T on transcript NM_018979.4 (MANE Select); coding-DNA position 4463, C replaced by T.
Protein change: p.Thr1488Ile; replaces threonine 1488 with isoleucine.
Molecular consequence: missense variant.
Genome position (GRCh38, 1-based): chr12:885,267, C>T. VCF-style: chr12-885267-C-T. GRCh37 (hg19) VCF-style: chr12-994433-C-T.
Other names: c.5243C>T, p.Thr1748Ile (NM_001184985.2); c.3722C>T, p.Thr1241Ile (NM_014823.3); c.5219C>T, p.Thr1740Ile (NM_213655.5); short protein forms T1488I, T1241I, T1740I, T1748I.
Identifiers: ClinVar variation 4794830 (VCV004794830.1).
Genomic context (GRCh38, chr12:885,267, plus strand): 5'-GTCCTAAGCCTCCAGCTGTAGTATCTCAGCAGGCAGCAGGCAGCACTACTGTGGGAGCCA[C>T]ATTAACATCAGTTTCTACCACCACTTCATTCCCAAGCACAGCTTCACAGCTGTGCATTCA-3'
Protein context (NP_061852.3, residues 1478-1498): QAAGSTTVGA[Thr1488Ile]LTSVSTTTSF

ClinVar aggregate classification (germline): Uncertain significance (1 of 4 stars; one submission).

Conditions:
Neuropathy, hereditary sensory and autonomic, type 2A (HSAN2A). Also called: ACROOSTEOLYSIS, GIACCAI TYPE; ACROOSTEOLYSIS, NEUROGENIC; MORVAN DISEASE; NEUROPATHY, CONGENITAL SENSORY; NEUROPATHY, HEREDITARY SENSORY RADICULAR, AUTOSOMAL RECESSIVE; NEUROPATHY, HEREDITARY SENSORY, TYPE IIA. Identifiers: Orphanet 970, MedGen C2752089, MONDO:0024309, OMIM 201300.
Pseudohypoaldosteronism type 2C (PHA2C). Also called: Pseudohypoaldosteronism Type IIC. Identifiers: Orphanet 757, Orphanet 88940, MedGen C1840391, MONDO:0013778, OMIM 614492.

Submission:

Labcorp Genetics (formerly Invitae), Labcorp
Classification: Uncertain significance for Neuropathy, hereditary sensory and autonomic, type 2A; Pseudohypoaldosteronism type 2C. Last evaluated: 2025-08-01. Review status: criteria provided, single submitter. Criteria: Invitae Variant Classification Sherloc (09022015). Collection method: clinical testing. Allele origin: germline.
Comment: This sequence change replaces threonine, which is neutral and polar, with isoleucine, which is neutral and non-polar, at codon 1740 of the WNK1 protein (p.Thr1740Ile). This variant is not present in population databases (gnomAD no frequency). This variant has not been reported in the literature in individuals affected with WNK1-related conditions. Invitae Evidence Modeling of protein sequence and biophysical properties (such as structural, functional, and spatial information, amino acid conservation, physicochemical variation, residue mobility, and thermodynamic stability) indicates that this missense variant is not expected to disrupt WNK1 protein function with a negative predictive value of 95%. In summary, the available evidence is currently insufficient to determine the role of this variant in disease. Therefore, it has been classified as a Variant of Uncertain Significance.